The following is an entry in ClinVar:

ClinVar aggregate classification (germline): Pathogenic (1 of 4 stars; one submission).

Conditions:
Pendred syndrome (PDS). Also called: DEAFNESS WITH GOITER; GOITER-DEAFNESS SYNDROME; HYPOTHYROIDISM, CONGENITAL, DUE TO DYSHORMONOGENESIS, 2B; THYROID DYSHORMONOGENESIS 2B; THYROID HORMONOGENESIS, GENETIC DEFECT IN, 2B; Pendred's syndrome. Identifiers: Orphanet 705, MedGen C0271829, MONDO:0010134, OMIM 274600.

Submission:

Myriad Genetics, Inc.
Classification: Pathogenic for Pendred syndrome. Last evaluated: 2023-09-27. Review status: criteria provided, single submitter. Criteria: Myriad Autosomal Dominant, Autosomal Recessive and X-Linked Classification Criteria (2023). Collection method: clinical testing. Allele origin: unknown.
Comment: NM_000441.1(SLC26A4):c.29dupC(P11Afs*76) is expected to be pathogenic in the context of Pendred syndrome. This variant is predicted to lead to an abnormal or absent protein product due to the creation of a premature termination codon in SLC26A4, a gene where loss-of-function variants are known to be pathogenic. Please note: this variant was assessed in the context of healthy population screening.

NM_000441.2(SLC26A4):c.29dup (p.Pro11fs)

Genes: SLC26A4 (solute carrier family 26 member 4; plus strand), SLC26A4-AS1 (SLC26A4 antisense RNA 1; minus strand). Cytogenetic location: 7q22.3.
Variant type: Duplication.
Coding change: c.29dup on transcript NM_000441.2 (MANE Select); coding-DNA position 29, one base duplicated (C; older notation c.29dupC).
Protein change: p.Pro11fs; shifts the reading frame from proline 11.
Molecular consequence: frameshift variant. On other transcripts: non-coding transcript variant (1).
Genome position (GRCh38, 1-based): chr7:107,661,670, C duplicated; the last of 2 consecutive C bases (chr7:107,661,669-107,661,670); duplicating either gives the same sequence. VCF-style (leftmost placement, unchanged base first): chr7-107661668-G-GC. GRCh37 (hg19) VCF-style: chr7-107302113-G-GC.
Other names: short protein forms P11fs.
Identifiers: ClinVar variation 5012191 (VCV005012191.1).
Genomic context (GRCh38, chr7:107,661,668, plus strand): 5'-TCCTCCCTCCTCGCTGTCCTCTGGCTCGCAGGTCATGGCAGCGCCAGGCGGCAGGTCGGA[G>GC]CCGCCGCAGCTCCCCGAGTACAGCTGCAGCTACATGGTGTCGCGGCCGGTCTACAGCGAG-3'